The following is an entry in ClinVar:

ClinVar aggregate classification (germline): Pathogenic. Review status: criteria provided, single submitter (1 of 4 stars). 2 submissions from 2 submitters: Pathogenic (1). 1 of the submissions does not count toward it. Last evaluated 2022-01-18.

Conditions:
Chylomicron retention disease (CMRD). Also called: LIPID TRANSPORT DEFECT OF INTESTINE; HYPOBETALIPOPROTEINEMIA WITH ACCUMULATION OF APOLIPOPROTEIN B-LIKE PROTEIN IN INTESTINAL CELLS. Identifiers: Orphanet 71, MedGen C0795956, MONDO:0009528, OMIM 246700.

Allele frequency attached by ClinVar (database versions not stated): TOPMed below 0.00001; ExAC 0.00001; gnomAD 0.00001; gnomAD exomes 0.00002; 1000 Genomes Project 30x 0.00016; 1000 Genomes Project 0.00020.
gnomAD v4.1: 34 of 1,614,108 alleles (0.0021%); highest among the groups gnomAD compares: East Asian, 0.0067%; no homozygotes.

Submissions (2):

Laboratory of Medical Genetics, National & Kapodistrian University of Athens
Classification: Pathogenic for Chylomicron retention disease. Last evaluated: 2022-01-18. Review status: criteria provided, single submitter. Criteria: ACMG Guidelines, 2015. Collection method: clinical testing. Allele origin: germline. Affected: yes.
Comment: PM2, PP3, PP5

OMIM
Classification: Pathogenic for CHYLOMICRON RETENTION DISEASE. Last evaluated: 2008-01-01. Review status: no assertion criteria provided. Collection method: literature only. Allele origin: germline. Not counted in ClinVar's aggregate classification.

Literature cited by the submitters: PubMed 17945526 (cited by OMIM).

NM_016103.4(SAR1B):c.554G>T (p.Gly185Val)

Gene: SAR1B (secretion associated Ras related GTPase 1B; minus strand). Cytogenetic location: 5q31.1.
Variant type: single nucleotide variant.
Coding change: c.554G>T on transcript NM_016103.4 (MANE Select); coding-DNA position 554, G replaced by T.
Protein change: p.Gly185Val; replaces glycine 185 with valine.
Molecular consequence: missense variant.
Genome position (GRCh38, 1-based): chr5:134,606,993, C>A on the plus strand (G>T on the coding strand, the complement: SAR1B is on the minus strand). VCF-style: chr5-134606993-C-A. GRCh37 (hg19) VCF-style: chr5-133942683-C-A.
Other names: c.554G>T, p.Gly185Val (NM_001033503.3); short protein forms G185V.
Identifiers: ClinVar variation 2929 (VCV000002929.2), dbSNP rs137853126, ClinGen allele CA115880.